The following is an entry in ClinVar:

ClinVar aggregate classification (germline): Uncertain significance (1 of 4 stars; one submission).

Conditions:
Dyskeratosis congenita, autosomal dominant 2. Identifiers: MedGen C3151443, MONDO:0013521, OMIM 613989.
Idiopathic Pulmonary Fibrosis. Also called: Idiopathic fibrosing alveolitis, chronic form; idiopathic fibrosing alveolitis. Identifiers: Orphanet 2032, MedGen C1800706, MeSH D054990, MONDO:0800504.

Submission:

Labcorp Genetics (formerly Invitae), Labcorp
Classification: Uncertain significance for Dyskeratosis congenita, autosomal dominant 2; Idiopathic Pulmonary Fibrosis. Last evaluated: 2023-08-09. Review status: criteria provided, single submitter. Criteria: Invitae Variant Classification Sherloc (09022015). Collection method: clinical testing. Allele origin: germline.
Comment: Algorithms developed to predict the effect of missense changes on protein structure and function output the following: SIFT: "Not Available"; PolyPhen-2: "Benign"; Align-GVGD: "Not Available". The lysine amino acid residue is found in multiple mammalian species, which suggests that this missense change does not adversely affect protein function. This variant has not been reported in the literature in individuals affected with TERT-related conditions. This variant is not present in population databases (gnomAD no frequency). This sequence change replaces arginine, which is basic and polar, with lysine, which is basic and polar, at codon 688 of the TERT protein (p.Arg688Lys). In summary, the available evidence is currently insufficient to determine the role of this variant in disease. Therefore, it has been classified as a Variant of Uncertain Significance.

NM_198253.3(TERT):c.2063G>A (p.Arg688Lys)

Gene: TERT (telomerase reverse transcriptase; minus strand). Cytogenetic location: 5p15.33.
Variant type: single nucleotide variant.
Coding change: c.2063G>A on transcript NM_198253.3 (MANE Select); coding-DNA position 2063, G replaced by A.
Protein change: p.Arg688Lys; replaces arginine 688 with lysine.
Molecular consequence: missense variant. On other transcripts: non-coding transcript variant (2).
Genome position (GRCh38, 1-based): chr5:1,279,358, C>T on the plus strand (G>A on the coding strand, the complement: TERT is on the minus strand). VCF-style: chr5-1279358-C-T. GRCh37 (hg19) VCF-style: chr5-1279473-C-T.
Other names: c.2063G>A, p.Arg688Lys (NM_001193376.3, NM_003219.1); short protein forms R688K.
Identifiers: ClinVar variation 2944423 (VCV002944423.3), dbSNP rs1219912951, ClinGen allele CA359080276.
Genomic context (GRCh38, chr5:1,279,358, plus strand): 5'-AAGTACAGCTCAGGCGGCGGGTCCTGGGCCCGCACACGCAGCACGAAGGTGCGCCAGGCC[C>T]TGTGGATATCGTCCAGGCCCAGCACAGAGGCGCCCAGGAGGCCGGGGCGCCGCGCCCGCT-3'
Protein context (NP_937983.2, residues 678-698): ASVLGLDDIH[Arg688Lys]AWRTFVLRVR